The following is an entry in ClinVar:

ClinVar aggregate classification (germline): Likely benign (1 of 4 stars; one submission).

Allele frequency attached by ClinVar (database versions not stated): gnomAD 0.00001; TOPMed 0.00001; ExAC 0.00004; ESP Exome Variant Server 0.00008.
gnomAD v4.1: 51 of 1,613,942 alleles (0.0032%); highest among the groups gnomAD compares: Middle Eastern, 0.12%; no homozygotes.

Submission:

CeGaT Center for Human Genetics Tuebingen
Classification: Likely benign. Last evaluated: 2022-07-01. Review status: criteria provided, single submitter. Criteria: CeGaT Center For Human Genetics Tuebingen Variant Classification Criteria Version 2. Collection method: clinical testing. Allele origin: germline. Affected: yes. Observed: 1 variant allele.
Comment: CCDC102B: BP4, BP7

NM_024781.3(CCDC102B):c.207T>C (p.Ile69=)

Gene: CCDC102B (coiled-coil domain containing 102B; plus strand). Cytogenetic location: 18q22.1.
Variant type: single nucleotide variant.
Coding change: c.207T>C on transcript NM_024781.3 (MANE Select); coding-DNA position 207, T replaced by C.
Protein change: p.Ile69=; no amino-acid change (isoleucine 69 retained).
Molecular consequence: synonymous variant.
Genome position (GRCh38, 1-based): chr18:68,836,970, T>C. VCF-style: chr18-68836970-T-C. GRCh37 (hg19) VCF-style: chr18-66504207-T-C.
Other names: c.207T>C, p.Ile69= (NM_001093729.2).
Identifiers: ClinVar variation 2648798 (VCV002648798.24), dbSNP rs371049398, ClinGen allele CA8993518.
Genomic context (GRCh38, chr18:68,836,970, plus strand): 5'-ACAATCTCATGCTGCTCACAATTTCTGTGCTCACTCATATAACACCAACAAATGGGATAT[T>C]TGTGAAGAACTTCGCCTGCGGGAGCTTGAAGAAGTCAAGGCCAGAGCTGCTCAGATGGAA-3'
Protein context (NP_079057.3, residues 59-79): AHSYNTNKWD[Ile69=]CEELRLRELE